The following is an entry in ClinVar:

NM_015164.4(PLEKHM2):c.2029C>T (p.Arg677Cys)

Gene: PLEKHM2 (pleckstrin homology and RUN domain containing M2; plus strand). Cytogenetic location: 1p36.21.
Variant type: single nucleotide variant.
Coding change: c.2029C>T on transcript NM_015164.4 (MANE Select); coding-DNA position 2029, C replaced by T.
Protein change: p.Arg677Cys; replaces arginine 677 with cysteine.
Molecular consequence: missense variant.
Genome position (GRCh38, 1-based): chr1:15,729,144, C>T. VCF-style: chr1-15729144-C-T. GRCh37 (hg19) VCF-style: chr1-16055639-C-T.
Other names: c.1969C>T, p.Arg657Cys (NM_001410755.1); short protein forms R657C, R677C.
Identifiers: ClinVar variation 2085815 (VCV002085815.3), dbSNP rs773582647, ClinGen allele CA617113.

ClinVar aggregate classification (germline): Uncertain significance (1 of 4 stars; one submission).

Conditions:
Dilated Cardiomyopathy, Recessive.

Allele frequency attached by ClinVar (database versions not stated): TOPMed below 0.00001; gnomAD 0.00001; gnomAD exomes 0.00003; ExAC 0.00006.
gnomAD v4.1: 44 of 1,611,918 alleles (0.0027%); highest among the groups gnomAD compares: South Asian, 0.019%; no homozygotes.

Submission:

Labcorp Genetics (formerly Invitae), Labcorp
Classification: Uncertain significance. Last evaluated: 2022-02-01. Review status: criteria provided, single submitter. Criteria: Invitae Variant Classification Sherloc (09022015). Collection method: clinical testing. Allele origin: germline.
Comment: This sequence change replaces arginine, which is basic and polar, with cysteine, which is neutral and slightly polar, at codon 677 of the PLEKHM2 protein (p.Arg677Cys). This variant is present in population databases (rs773582647, gnomAD 0.03%). This variant has not been reported in the literature in individuals affected with PLEKHM2-related conditions. Algorithms developed to predict the effect of missense changes on protein structure and function (SIFT, PolyPhen-2, Align-GVGD) all suggest that this variant is likely to be disruptive. In summary, the available evidence is currently insufficient to determine the role of this variant in disease. Therefore, it has been classified as a Variant of Uncertain Significance.